The following is an entry in ClinVar:

ClinVar aggregate classification (germline): Uncertain significance (1 of 4 stars; one submission).

Conditions:
Familial isolated arrhythmogenic right ventricular dysplasia. Identifiers: Orphanet 217656, MedGen C4274968, MONDO:0016342.

Submission:

All of Us Research Program, National Institutes of Health
Classification: Uncertain significance for Familial isolated arrhythmogenic right ventricular dysplasia. Last evaluated: 2023-06-26. Review status: criteria provided, single submitter. Criteria: ACMG Guidelines, 2015. Collection method: clinical testing. Allele origin: germline. Inheritance: Autosomal dominant inheritance. Observed: 1 variant allele, 1 heterozygote.
Comment: This missense variant replaces isoleucine with threonine at codon 64 of the DSC2 protein. Computational prediction suggests that this variant may not impact protein structure and function (internally defined REVEL score threshold <= 0.5, PMID: 27666373). To our knowledge, functional studies have not been reported for this variant. This variant has not been reported in individuals affected with DSC2-related disorders in the literature. This variant has not been identified in the general population by the Genome Aggregation Database (gnomAD). The available evidence is insufficient to determine the role of this variant in disease conclusively. Therefore, this variant is classified as a Variant of Uncertain Significance.

This study involves interpretation of variants in research participants for the purpose of population health screening. Participant phenotype was not available at the time of variant classification. Additional details can be found in publication PMID: 35346344, PMCID: PMC8962531

NM_024422.6(DSC2):c.191T>C (p.Ile64Thr)

Gene: DSC2 (desmocollin 2; minus strand). Cytogenetic location: 18q12.1.
Variant type: single nucleotide variant.
Coding change: c.191T>C on transcript NM_024422.6 (MANE Select); coding-DNA position 191, T replaced by C.
Protein change: p.Ile64Thr; replaces isoleucine 64 with threonine.
Molecular consequence: missense variant. On other transcripts: 5 prime UTR variant (2).
Genome position (GRCh38, 1-based): chr18:31,092,264, A>G on the plus strand (T>C on the coding strand, the complement: DSC2 is on the minus strand). VCF-style: chr18-31092264-A-G. GRCh37 (hg19) VCF-style: chr18-28672227-A-G.
Other names: c.-239T>C (NM_001406506.1, NM_001406507.1); c.191T>C, p.Ile64Thr (NM_004949.5); short protein forms I64T.
Identifiers: ClinVar variation 3072058 (VCV003072058.1), dbSNP rs2510956267, ClinGen allele CA402114920.
Genomic context (GRCh38, chr18:31,092,264, plus strand): 5'-GTATTTGTTGTATAGACTGAACCATCCTCCAAAATTTGGAAGTCAGGATCACTTGAATGA[A>G]TTAGATTTGCAGCTGTAAAGCACTCTTTCAGGTTAACTGTAGAAAATATGCACAGCAATC-3'
Protein context (NP_077740.1, residues 54-74): LKECFTAANL[Ile64Thr]HSSDPDFQIL